The following is an entry in ClinVar:

ClinVar aggregate classification (germline): Pathogenic (1 of 4 stars; one submission).

Submission:

Ambry Genetics
Classification: Pathogenic. Last evaluated: 2026-01-14. Review status: criteria provided, single submitter. Criteria: Ambry Variant Classification Scheme 2023. Collection method: clinical testing. Allele origin: germline.
Comment: The c.474G>A (p.W158*) alteration, located in exon 5 (coding exon 5) of the GIGYF1 gene, consists of a G to A substitution at nucleotide position 474. This changes the amino acid from a tryptophan (W) to a stop codon at amino acid position 158. This alteration is expected to result in loss of function by premature protein truncation or nonsense-mediated mRNA decay. This variant was not reported in population-based cohorts in the Genome Aggregation Database (gnomAD). Based on the available evidence, this alteration is classified as pathogenic.

NM_022574.4:c.474G>A

Gene: GIGYF1 (GRB10 interacting GYF protein 1; minus strand).
Variant type: single nucleotide variant.
Identifiers: ClinVar variation 4838933 (VCV004838933.1).